The following is an entry in ClinVar:

ClinVar aggregate classification (germline): Uncertain significance (1 of 4 stars; one submission).

Submission:

Labcorp Genetics (formerly Invitae), Labcorp
Classification: Uncertain significance. Last evaluated: 2022-08-09. Review status: criteria provided, single submitter. Criteria: Invitae Variant Classification Sherloc (09022015). Collection method: clinical testing. Allele origin: germline.
Comment: This sequence change replaces methionine, which is neutral and non-polar, with threonine, which is neutral and polar, at codon 1402 of the ASXL1 protein (p.Met1402Thr). This variant is not present in population databases (gnomAD no frequency). This variant has not been reported in the literature in individuals affected with ASXL1-related conditions. Algorithms developed to predict the effect of missense changes on protein structure and function are either unavailable or do not agree on the potential impact of this missense change (SIFT: "Deleterious"; PolyPhen-2: "Benign"; Align-GVGD: "Class C25"). In summary, the available evidence is currently insufficient to determine the role of this variant in disease. Therefore, it has been classified as a Variant of Uncertain Significance.

NM_015338.6(ASXL1):c.4205T>C (p.Met1402Thr)

Gene: ASXL1 (ASXL transcriptional regulator 1; plus strand). Cytogenetic location: 20q11.21.
Variant type: single nucleotide variant.
Coding change: c.4205T>C on transcript NM_015338.6 (MANE Select); coding-DNA position 4205, T replaced by C.
Protein change: p.Met1402Thr; replaces methionine 1402 with threonine.
Molecular consequence: missense variant.
Genome position (GRCh38, 1-based): chr20:32,436,917, T>C. VCF-style: chr20-32436917-T-C. GRCh37 (hg19) VCF-style: chr20-31024720-T-C.
Other names: c.4022T>C, p.Met1341Thr (NM_001363734.1); short protein forms M1402T, M1341T.
Identifiers: ClinVar variation 1959496 (VCV001959496.5), dbSNP rs762429584, ClinGen allele CA408564658.